The following is an entry in ClinVar:

NM_005051.3(QARS1):c.1930G>T (p.Val644Phe)

Gene: QARS1 (glutaminyl-tRNA synthetase 1; minus strand). Cytogenetic location: 3p21.31.
Variant type: single nucleotide variant.
Coding change: c.1930G>T on transcript NM_005051.3 (MANE Select); coding-DNA position 1930, G replaced by T.
Protein change: p.Val644Phe; replaces valine 644 with phenylalanine.
Molecular consequence: missense variant. On other transcripts: non-coding transcript variant (1).
Genome position (GRCh38, 1-based): chr3:49,098,626, C>A on the plus strand (G>T on the coding strand, the complement: QARS1 is on the minus strand). VCF-style: chr3-49098626-C-A. GRCh37 (hg19) VCF-style: chr3-49136059-C-A.
Other names: c.1897G>T, p.Val633Phe (NM_001272073.2); c.1930G>T (NM_005051.1); short protein forms V633F, V644F.
Identifiers: ClinVar variation 1445580 (VCV001445580.9), dbSNP rs775375268, ClinGen allele CA352700008.

ClinVar aggregate classification (germline): Uncertain significance. Review status: criteria provided, multiple submitters, no conflicts (2 of 4 stars). 2 submissions from 2 submitters: Uncertain significance (2). Last evaluated 2023-11-24.

Conditions:
Inborn genetic diseases. Identifiers: MedGen C0950123, MeSH D030342.
Diffuse cerebral and cerebellar atrophy - intractable seizures - progressive microcephaly syndrome. Also called: Microcephaly, progressive, with seizures and cerebral and cerebellar atrophy. Identifiers: Orphanet 404437, MedGen C4014239, MONDO:0014335, OMIM 615760.

Allele frequency attached by ClinVar (database versions not stated): TOPMed below 0.00001.
gnomAD v4.1: 16 of 1,611,922 alleles (0.00099%); highest among the groups gnomAD compares: Non-Finnish European, 0.0014%; no homozygotes.

Submissions (2):

Labcorp Genetics (formerly Invitae), Labcorp
Classification: Uncertain significance for Diffuse cerebral and cerebellar atrophy - intractable seizures - progressive microcephaly syndrome. Last evaluated: 2023-11-24. Review status: criteria provided, single submitter. Criteria: Invitae Variant Classification Sherloc (09022015). Collection method: clinical testing. Allele origin: germline.
Comment: This sequence change replaces valine, which is neutral and non-polar, with phenylalanine, which is neutral and non-polar, at codon 644 of the QARS protein (p.Val644Phe). This variant is not present in population databases (gnomAD no frequency). This variant has not been reported in the literature in individuals affected with QARS-related conditions. ClinVar contains an entry for this variant (Variation ID: 1445580). Advanced modeling of protein sequence and biophysical properties (such as structural, functional, and spatial information, amino acid conservation, physicochemical variation, residue mobility, and thermodynamic stability) has been performed at Invitae for this missense variant, however the output from this modeling did not meet the statistical confidence thresholds required to predict the impact of this variant on QARS protein function. In summary, the available evidence is currently insufficient to determine the role of this variant in disease. Therefore, it has been classified as a Variant of Uncertain Significance.

Ambry Genetics
Classification: Uncertain significance for Inborn genetic diseases. Last evaluated: 2022-12-06. Review status: criteria provided, single submitter. Criteria: Ambry Variant Classification Scheme 2023. Collection method: clinical testing. Allele origin: germline.